The following is an entry in ClinVar:

ClinVar aggregate classification (germline): Likely benign. Review status: criteria provided, single submitter (1 of 4 stars). 2 submissions from 2 submitters: Likely benign (1). 1 of the submissions does not count toward it. Last evaluated 2021-04-13.

Conditions:
Gorlin syndrome. Also called: Nevoid Basal Cell Carcinoma Syndrome; Basal cell nevus syndrome. Identifiers: Orphanet 377, MedGen C0004779, MONDO:0007187.
PTCH2-related disorder. Also called: PTCH2-related condition; PTCH2-related disease.

Allele frequency attached by ClinVar (database versions not stated): gnomAD 0.00001; gnomAD exomes 0.00002 and 0.00006; ExAC 0.00007.
gnomAD v4.1: 34 of 1,613,984 alleles (0.0021%); highest among the groups gnomAD compares: South Asian, 0.015%; no homozygotes.

Submissions (2):

Labcorp Genetics (formerly Invitae), Labcorp
Classification: Likely benign for Gorlin syndrome. Last evaluated: 2021-04-13. Review status: criteria provided, single submitter. Criteria: Invitae Variant Classification Sherloc (09022015). Collection method: clinical testing. Allele origin: germline.

PreventionGenetics, part of Exact Sciences
Classification: Likely benign for PTCH2-related condition. Last evaluated: 2019-06-11. Review status: no assertion criteria provided. Collection method: clinical testing. Allele origin: germline. Not counted in ClinVar's aggregate classification.
Comment: This variant is classified as likely benign based on ACMG/AMP sequence variant interpretation guidelines (Richards et al. 2015 PMID: 25741868, with internal and published modifications).

NM_003738.5(PTCH2):c.2991G>A (p.Ala997=)

Gene: PTCH2 (patched 2; minus strand). Cytogenetic location: 1p34.1.
Variant type: single nucleotide variant.
Coding change: c.2991G>A on transcript NM_003738.5 (MANE Select); coding-DNA position 2991, G replaced by A.
Protein change: p.Ala997=; no amino-acid change (alanine 997 retained).
Molecular consequence: synonymous variant.
Genome position (GRCh38, 1-based): chr1:44,826,373, C>T on the plus strand (G>A on the coding strand, the complement: PTCH2 is on the minus strand). VCF-style: chr1-44826373-C-T. GRCh37 (hg19) VCF-style: chr1-45292045-C-T.
Other names: c.2991G>A, p.Ala997= (NM_001166292.2); c.2991G>A (NM_003738.4).
Identifiers: ClinVar variation 1571959 (VCV001571959.10), dbSNP rs756770955, ClinGen allele CA822830.